The following is an entry in ClinVar:

NM_004370.6(COL12A1):c.6612T>A (p.Tyr2204Ter)

Gene: COL12A1 (collagen type XII alpha 1 chain; minus strand). Cytogenetic location: 6q13.
Variant type: single nucleotide variant.
Coding change: c.6612T>A on transcript NM_004370.6 (MANE Select); coding-DNA position 6612, T replaced by A.
Protein change: p.Tyr2204Ter; replaces tyrosine 2204 with a stop codon.
Molecular consequence: nonsense.
Genome position (GRCh38, 1-based): chr6:75,124,367, A>T on the plus strand (T>A on the coding strand, the complement: COL12A1 is on the minus strand). VCF-style: chr6-75124367-A-T. GRCh37 (hg19) VCF-style: chr6-75834083-A-T.
Other names: c.3120T>A, p.Tyr1040Ter (NM_080645.3); short protein forms Y1040*, Y2204*.
Identifiers: ClinVar variation 945967 (VCV000945967.10), dbSNP rs1765909471, ClinGen allele CA364729171.

ClinVar aggregate classification (germline): Pathogenic (1 of 4 stars; one submission).

Conditions:
Ullrich congenital muscular dystrophy 2 (UCMD2). Identifiers: Orphanet 75840, MedGen C4225314, MONDO:0014654, OMIM 616470.
Bethlem myopathy 2 (BTHLM2). Identifiers: Orphanet 536516, Orphanet 610, MedGen C4225313, MONDO:0034022, OMIM 616471.

Submission:

Labcorp Genetics (formerly Invitae), Labcorp
Classification: Pathogenic for Bethlem myopathy 2; Ullrich congenital muscular dystrophy 2. Last evaluated: 2019-04-26. Review status: criteria provided, single submitter. Criteria: Invitae Variant Classification Sherloc (09022015). Collection method: clinical testing. Allele origin: germline.
Comment: This variant has not been reported in the literature in individuals with COL12A1-related conditions. This variant is not present in population databases (ExAC no frequency). This sequence change creates a premature translational stop signal (p.Tyr2204*) in the COL12A1 gene. It is expected to result in an absent or disrupted protein product. Loss-of-function variants in COL12A1 are known to be pathogenic (PMID: 24334604, 28973083). For these reasons, this variant has been classified as Pathogenic.

Literature cited by the submitters: PubMed 24334604; PubMed 28973083.